The following is an entry in ClinVar:

NM_001199397.3(NEK1):c.1900G>A (p.Glu634Lys)

Gene: NEK1 (NIMA related kinase 1; minus strand). Cytogenetic location: 4q33.
Variant type: single nucleotide variant.
Coding change: c.1900G>A on transcript NM_001199397.3 (MANE Select); coding-DNA position 1900, G replaced by A.
Protein change: p.Glu634Lys; replaces glutamic acid 634 with lysine.
Molecular consequence: missense variant. On other transcripts: non-coding transcript variant (1).
Genome position (GRCh38, 1-based): chr4:169,507,726, C>T on the plus strand (G>A on the coding strand, the complement: NEK1 is on the minus strand). VCF-style: chr4-169507726-C-T. GRCh37 (hg19) VCF-style: chr4-170428877-C-T.
Other names: c.1768G>A, p.Glu590Lys (NM_001199398.3); c.1609G>A, p.Glu537Lys (NM_001199399.3); c.1684G>A, p.Glu562Lys (NM_001199400.3); c.1900G>A, p.Glu634Lys (NM_001374418.1); c.1816G>A, p.Glu606Lys (NM_001374419.1, NM_012224.4); c.1765G>A, p.Glu589Lys (NM_001374420.1); c.1690G>A, p.Glu564Lys (NM_001374421.1); short protein forms E634K, E562K, E606K, E537K, E590K, E564K, E589K.
Identifiers: ClinVar variation 2179230 (VCV002179230.4), dbSNP rs199678116, ClinGen allele CA3137590.

ClinVar aggregate classification (germline): Uncertain significance (1 of 4 stars; one submission).

Conditions:
Short-rib thoracic dysplasia 6 with or without polydactyly (SRTD6). Also called: SHORT-RIB THORACIC DYSPLASIA 6 WITHOUT POLYDACTYLY; POLYDACTYLY WITH NEONATAL CHONDRODYSTROPHY, TYPE II; Majewski Syndrome; SHORT-RIB THORACIC DYSPLASIA 6 WITH POLYDACTYLY; SHORT RIB-POLYDACTYLY SYNDROME, TYPE IIA. Identifiers: MedGen C0024507, MONDO:0009894, OMIM 263520.

Allele frequency attached by ClinVar (database versions not stated): TOPMed 0.00001; ExAC 0.00002; gnomAD 0.00002; 1000 Genomes Project 30x 0.00016; 1000 Genomes Project 0.00020.
gnomAD v4.1: 87 of 1,612,070 alleles (0.0054%); highest among the groups gnomAD compares: Middle Eastern, 0.017%; no homozygotes.

Submission:

Labcorp Genetics (formerly Invitae), Labcorp
Classification: Uncertain significance for Short-rib thoracic dysplasia 6 with or without polydactyly. Last evaluated: 2024-10-24. Review status: criteria provided, single submitter. Criteria: Invitae Variant Classification Sherloc (09022015). Collection method: clinical testing. Allele origin: germline.
Comment: This sequence change replaces glutamic acid, which is acidic and polar, with lysine, which is basic and polar, at codon 606 of the NEK1 protein (p.Glu606Lys). This variant is present in population databases (rs199678116, gnomAD 0.008%). This variant has not been reported in the literature in individuals affected with NEK1-related conditions. ClinVar contains an entry for this variant (Variation ID: 2179230). Invitae Evidence Modeling of protein sequence and biophysical properties (such as structural, functional, and spatial information, amino acid conservation, physicochemical variation, residue mobility, and thermodynamic stability) has been performed for this missense variant. However, the output from this modeling did not meet the statistical confidence thresholds required to predict the impact of this variant on NEK1 protein function. In summary, the available evidence is currently insufficient to determine the role of this variant in disease. Therefore, it has been classified as a Variant of Uncertain Significance.